The following is an entry in ClinVar:

NM_001270974.2(HYDIN):c.2065dup (p.Ile689fs)

Gene: HYDIN (HYDIN axonemal central pair apparatus protein; minus strand). Cytogenetic location: 16q22.2.
Variant type: Duplication.
Coding change: c.2065dup on transcript NM_001270974.2 (MANE Select); coding-DNA position 2065, one base duplicated (A; older notation c.2065dupA).
Protein change: p.Ile689fs; shifts the reading frame from isoleucine 689.
Molecular consequence: frameshift variant.
Genome position (GRCh38, 1-based): chr16:71,067,300, T duplicated on the plus strand (A on the coding strand, the reverse complement: HYDIN is on the minus strand); the first of 2 consecutive T bases (chr16:71,067,300-71,067,301); duplicating either gives the same sequence. VCF-style (leftmost placement, unchanged base first): chr16-71067299-A-AT. GRCh37 (hg19) VCF-style: chr16-71101202-A-AT.
Other names: c.2146dup, p.Ile716fs (NM_001198542.1); c.2116dup, p.Ile706fs (NM_001198543.1); c.2065dup, p.Ile689fs (NM_017558.5); short protein forms I689fs, I716fs, I706fs.
Identifiers: ClinVar variation 870482 (VCV000870482.5), dbSNP rs2082305577, ClinGen allele CA916083501.

ClinVar aggregate classification (germline): Likely pathogenic (1 of 4 stars; one submission).

Conditions:
Primary ciliary dyskinesia 5. Also called: CILIARY DYSKINESIA, PRIMARY, 5, WITHOUT SITUS INVERSUS. Identifiers: Orphanet 244, MedGen C1837615, MONDO:0012088, OMIM 608647.

Submission:

Diagnostics Services (NGS), CSIR - Centre For Cellular And Molecular Biology
Classification: Likely pathogenic for Primary ciliary dyskinesia 5. Last evaluated: 2020-03-24. Review status: criteria provided, single submitter. Criteria: ACMG Guidelines, 2015. Collection method: clinical testing. Allele origin: germline. Inheritance: Autosomal recessive inheritance. Affected: yes. Observed: 1 homozygote.
Comment: The c.2065dupA variant is not present in publicly available databases like1000 Genomes, Exome Variant Server (EVS), Exome Aggregation Consortium (ExAC), Genome Aggregation Database (gnomAD) and dbSNP. The variant is not present in our in-house exome database. The variant was not reported to OMIM, Human Genome Mutation Database (HGMD) or ClinVar databases in any affected individuals. In-silico pathogenicity prediction programs like, MutationTaster2, CADD etc. predicted this variant to be likely deleterious. The variant causes a frameshift at 689th amino acid position that creates stop codon at 717th amino acid position. This may either cause a nonsense mediated decay of the mRNA resulting no protein or a truncated protein due to premature stop codon. However there are no documented functional studies to prove this, hence the variant has been classified as likely pathogenic.